The following is an entry in ClinVar:

ClinVar aggregate classification (germline): Uncertain significance (1 of 4 stars; one submission).

Submission:

Labcorp Genetics (formerly Invitae), Labcorp
Classification: Uncertain significance. Last evaluated: 2025-09-28. Review status: criteria provided, single submitter. Criteria: Invitae Variant Classification Sherloc (09022015). Collection method: clinical testing. Allele origin: germline.
Comment: This sequence change replaces aspartic acid, which is acidic and polar, with tyrosine, which is neutral and polar, at codon 927 of the NOTCH3 protein (p.Asp927Tyr). This variant is not present in population databases (gnomAD no frequency). This variant has not been reported in the literature in individuals affected with NOTCH3-related conditions. Invitae Evidence Modeling of protein sequence and biophysical properties (such as structural, functional, and spatial information, amino acid conservation, physicochemical variation, residue mobility, and thermodynamic stability) indicates that this missense variant is expected to disrupt NOTCH3 protein function with a positive predictive value of 95%. In summary, the available evidence is currently insufficient to determine the role of this variant in disease. Therefore, it has been classified as a Variant of Uncertain Significance.

NM_000435.3(NOTCH3):c.2779G>T (p.Asp927Tyr)

Gene: NOTCH3 (notch receptor 3; minus strand). Cytogenetic location: 19p13.12.
Variant type: single nucleotide variant.
Coding change: c.2779G>T on transcript NM_000435.3 (MANE Select); coding-DNA position 2779, G replaced by T.
Protein change: p.Asp927Tyr; replaces aspartic acid 927 with tyrosine.
Molecular consequence: missense variant.
Genome position (GRCh38, 1-based): chr19:15,181,589, C>A on the plus strand (G>T on the coding strand, the complement: NOTCH3 is on the minus strand). VCF-style: chr19-15181589-C-A. GRCh37 (hg19) VCF-style: chr19-15292400-C-A.
Other names: short protein forms D927Y.
Identifiers: ClinVar variation 4738123 (VCV004738123.1).